The following is an entry in ClinVar:

NM_002460.4(IRF4):c.1100-3C>T

Genes: IRF4 (interferon regulatory factor 4; plus strand), LOC129995575 (ATAC-STARR-seq lymphoblastoid active region 23845; plus strand). Cytogenetic location: 6p25.3.
Variant type: single nucleotide variant.
Coding change: c.1100-3C>T on transcript NM_002460.4 (MANE Select); 3 bases into the intron before coding-DNA position 1100, C replaced by T.
Molecular consequence: intron variant.
Genome position (GRCh38, 1-based): chr6:405,015, C>T. VCF-style: chr6-405015-C-T. GRCh37 (hg19) VCF-style: chr6-405015-C-T.
Other names: c.1097-3C>T (NM_001195286.2).
Identifiers: ClinVar variation 3685636 (VCV003685636.2).

ClinVar aggregate classification (germline): Uncertain significance (1 of 4 stars; one submission).

gnomAD v4.1: 1 of 1,599,114 alleles (0.000063%); highest among the groups gnomAD compares: African/African-American, 0.0013%; no homozygotes.

Submission:

Labcorp Genetics (formerly Invitae), Labcorp
Classification: Uncertain significance. Last evaluated: 2024-02-23. Review status: criteria provided, single submitter. Criteria: Invitae Variant Classification Sherloc (09022015). Collection method: clinical testing. Allele origin: germline.
Comment: This sequence change falls in intron 7 of the IRF4 gene. It does not directly change the encoded amino acid sequence of the IRF4 protein. It affects a nucleotide within the consensus splice site. This variant is not present in population databases (gnomAD no frequency). This variant has not been reported in the literature in individuals affected with IRF4-related conditions. Variants that disrupt the consensus splice site are a relatively common cause of aberrant splicing (PMID: 17576681, 9536098). Algorithms developed to predict the effect of sequence changes on RNA splicing suggest that this variant is not likely to affect RNA splicing. In summary, the available evidence is currently insufficient to determine the role of this variant in disease. Therefore, it has been classified as a Variant of Uncertain Significance.

Literature cited by the submitters: PubMed 17576681; PubMed 9536098.